The following is an entry in ClinVar:

ClinVar aggregate classification (germline): Uncertain significance. Review status: criteria provided, multiple submitters, no conflicts (2 of 4 stars). 2 submissions from 2 submitters: Uncertain significance (2). Last evaluated 2022-09-14.

Conditions:
Inborn genetic diseases. Identifiers: MedGen C0950123, MeSH D030342.
Charcot-Marie-Tooth disease type 4. Also called: Charcot-Marie-Tooth disease, type IV; Charcot-Marie-Tooth, Type 4. Identifiers: Orphanet 64749, MedGen C4082197, MONDO:0018995.

Allele frequency attached by ClinVar (database versions not stated): TOPMed below 0.00001; gnomAD 0.00003; gnomAD exomes 0.00007 and 0.00017; ExAC 0.00017; 1000 Genomes Project 0.00020; 1000 Genomes Project 30x 0.00031.

Submissions (2):

Ambry Genetics
Classification: Uncertain significance for Inborn genetic diseases. Last evaluated: 2022-09-14. Review status: criteria provided, single submitter. Criteria: Ambry Variant Classification Scheme 2023. Collection method: clinical testing. Allele origin: germline.

Labcorp Genetics (formerly Invitae), Labcorp
Classification: Uncertain significance for Charcot-Marie-Tooth disease type 4. Last evaluated: 2021-08-31. Review status: criteria provided, single submitter. Criteria: Invitae Variant Classification Sherloc (09022015). Collection method: clinical testing. Allele origin: germline.
Comment: This sequence change replaces alanine with threonine at codon 633 of the MTMR2 protein (p.Ala633Thr). The alanine residue is moderately conserved and there is a small physicochemical difference between alanine and threonine. This variant is present in population databases (rs532885622, ExAC 0.1%). This variant has not been reported in the literature in individuals affected with MTMR2-related conditions. Algorithms developed to predict the effect of missense changes on protein structure and function (SIFT, PolyPhen-2, Align-GVGD) all suggest that this variant is likely to be tolerated. In summary, the available evidence is currently insufficient to determine the role of this variant in disease. Therefore, it has been classified as a Variant of Uncertain Significance.

NM_016156.6(MTMR2):c.1897G>A (p.Ala633Thr)

Gene: MTMR2 (myotubularin related protein 2; minus strand). Cytogenetic location: 11q21.
Variant type: single nucleotide variant.
Coding change: c.1897G>A on transcript NM_016156.6 (MANE Select); coding-DNA position 1897, G replaced by A.
Protein change: p.Ala633Thr; replaces alanine 633 with threonine.
Molecular consequence: missense variant.
Genome position (GRCh38, 1-based): chr11:95,835,325, C>T on the plus strand (G>A on the coding strand, the complement: MTMR2 is on the minus strand). VCF-style: chr11-95835325-C-T. GRCh37 (hg19) VCF-style: chr11-95568489-C-T.
Other names: c.1681G>A, p.Ala561Thr (NM_001243571.2, NM_201278.3, NM_201281.3); c.1897G>A (NM_016156.5); short protein forms A561T, A633T.
Identifiers: ClinVar variation 1058820 (VCV001058820.7), dbSNP rs532885622, ClinGen allele CA6239822.